The following is an entry in ClinVar:

NM_152703.5(SAMD9L):c.260C>T (p.Pro87Leu)

Gene: SAMD9L (sterile alpha motif domain containing 9 like; minus strand). Cytogenetic location: 7q21.2.
Variant type: single nucleotide variant.
Coding change: c.260C>T on transcript NM_152703.5 (MANE Select); coding-DNA position 260, C replaced by T.
Protein change: p.Pro87Leu; replaces proline 87 with leucine.
Molecular consequence: missense variant.
Genome position (GRCh38, 1-based): chr7:93,135,712, G>A on the plus strand (C>T on the coding strand, the complement: SAMD9L is on the minus strand). VCF-style: chr7-93135712-G-A. GRCh37 (hg19) VCF-style: chr7-92765025-G-A.
Other names: c.260C>T, p.Pro87Leu (NM_001303496.3, NM_001303497.3, NM_001303498.3 and 5 more transcripts); c.260C>T (NM_152703.3, NM_152703.2); short protein forms P87L.
Identifiers: ClinVar variation 1403374 (VCV001403374.13), dbSNP rs144879990, ClinGen allele CA4343902.

ClinVar aggregate classification (germline): Conflicting classifications of pathogenicity. Review status: criteria provided, conflicting classifications (1 of 4 stars). 4 submissions from 4 submitters: Uncertain significance (3); Likely benign (1). Last evaluated 2025-12-16.

Conditions:
Inborn genetic diseases. Identifiers: MedGen C0950123, MeSH D030342.
SAMD9L-related disorder. Also called: SAMD9L-related condition; SAMD9L-related disorders.

Allele frequency attached by ClinVar (database versions not stated): gnomAD exomes 0.00002 and 0.00003; ExAC 0.00005; gnomAD 0.00009 and 0.00010; TOPMed 0.00010; ESP Exome Variant Server 0.00015.

Submissions (4):

Labcorp Genetics (formerly Invitae), Labcorp
Classification: Uncertain significance. Last evaluated: 2025-12-16. Review status: criteria provided, single submitter. Criteria: Invitae Variant Classification Sherloc (09022015). Collection method: clinical testing. Allele origin: germline.
Comment: This sequence change replaces proline, which is neutral and non-polar, with leucine, which is neutral and non-polar, at codon 87 of the SAMD9L protein (p.Pro87Leu). This variant is present in population databases (rs144879990, gnomAD 0.01%). This variant has not been reported in the literature in individuals affected with SAMD9L-related conditions. ClinVar contains an entry for this variant (Variation ID: 1403374). An algorithm developed to predict the effect of missense changes on protein structure and function (PolyPhen-2) suggests that this variant is likely to be tolerated. In summary, the available evidence is currently insufficient to determine the role of this variant in disease. Therefore, it has been classified as a Variant of Uncertain Significance.

Ambry Genetics
Classification: Likely benign for Inborn genetic diseases. Last evaluated: 2025-02-12. Review status: criteria provided, single submitter. Criteria: Ambry Variant Classification Scheme 2023. Collection method: clinical testing. Allele origin: germline.

GeneDx
Classification: Uncertain significance. Last evaluated: 2024-03-01. Review status: criteria provided, single submitter. Criteria: GeneDx Variant Classification Process June 2021. Collection method: clinical testing. Allele origin: germline. Affected: yes.
Comment: In silico analysis supports that this missense variant does not alter protein structure/function; Has not been previously published as pathogenic or benign to our knowledge

PreventionGenetics, part of Exact Sciences
Classification: Uncertain significance for SAMD9L-related condition. Last evaluated: 2022-11-19. Review status: criteria provided, single submitter. Criteria: ACMG Guidelines, 2015. Collection method: clinical testing. Allele origin: germline.
Comment: The SAMD9L c.260C>T variant is predicted to result in the amino acid substitution p.Pro87Leu. To our knowledge, this variant has not been reported in the literature. This variant is reported in 0.012% of alleles in individuals of African descent in gnomAD. At this time, the clinical significance of this variant is uncertain due to the absence of conclusive functional and genetic evidence.